The following is an entry in ClinVar:

NM_000143.4(FH):c.653T>G (p.Leu218Arg)

Gene: FH (fumarate hydratase; minus strand). Cytogenetic location: 1q43.
Variant type: single nucleotide variant.
Coding change: c.653T>G on transcript NM_000143.4 (MANE Select); coding-DNA position 653, T replaced by G.
Protein change: p.Leu218Arg; replaces leucine 218 with arginine.
Molecular consequence: missense variant.
Genome position (GRCh38, 1-based): chr1:241,508,688, A>C on the plus strand (T>G on the coding strand, the complement: FH is on the minus strand). VCF-style: chr1-241508688-A-C. GRCh37 (hg19) VCF-style: chr1-241671988-A-C.
Other names: short protein forms L218R.
Identifiers: ClinVar variation 826472 (VCV000826472.4), dbSNP rs1553341345, ClinGen allele CA345439307.

ClinVar aggregate classification (germline): Likely pathogenic (1 of 4 stars; one submission).

Conditions:
Hereditary cancer-predisposing syndrome. Also called: Neoplastic Syndromes, Hereditary; Tumor predisposition; Hereditary neoplastic syndrome; Hereditary Cancer Syndrome. Identifiers: Orphanet 140162, MedGen C0027672, MeSH D009386, MONDO:0015356.

Submission:

Ambry Genetics
Classification: Likely pathogenic for Hereditary cancer-predisposing syndrome. Last evaluated: 2019-11-20. Review status: criteria provided, single submitter. Criteria: Ambry Variant Classification Scheme 2023. Collection method: clinical testing. Allele origin: germline.
Comment: The p.L218R variant (also known as c.653T>G), located in coding exon 5 of the FH gene, results from a T to G substitution at nucleotide position 653. The leucine at codon 218 is replaced by arginine, an amino acid with dissimilar properties. This variant was identified in an individual with HLRCC and blood from that patient showed severely reduced FH enzyme activity (Muller M et al. Clin. Genet., 2017 Dec;92:606-615). This amino acid position is highly conserved in available vertebrate species. In addition, this alteration is predicted to be deleterious by in silico analysis. Based on the majority of available evidence to date, this variant is likely to be pathogenic.

Literature cited by the submitters: PubMed 28300276.